The following is an entry in ClinVar:

NM_004415.4(DSP):c.243_251del (p.Cys81_Arg84delinsTer)

Gene: DSP (desmoplakin; plus strand). Cytogenetic location: 6p24.3.
Variant type: Deletion.
Coding change: c.243_251del on transcript NM_004415.4 (MANE Select); coding-DNA positions 243 to 251, 9 bases deleted (CTTGATGCG; older notation c.243_251delCTTGATGCG).
Protein change: p.Cys81_Arg84delinsTer.
Molecular consequence: nonsense.
Genome position (GRCh38, 1-based): chr6:7,555,790-7,555,798, CTTGATGCG deleted; deleting any 9 consecutive bases within chr6:7,555,789-7,555,798 gives the same sequence; the c. name uses the placement nearest the transcript's 3' end. VCF-style (leftmost placement, unchanged base first): chr6-7555788-TGCTTGATGC-T. GRCh37 (hg19) VCF-style: chr6-7556021-TGCTTGATGC-T.
Other names: p.C81X:TGC>TGA; c.243_251del (LRG_423t1); c.243_251del, p.Cys81_Arg84delinsTer (NM_001008844.3, NM_001319034.2); c.243_251delCTTGATGCG (NM_004415.2).
Identifiers: ClinVar variation 199914 (VCV000199914.7), dbSNP rs794728135, ClinGen allele CA005372.

ClinVar aggregate classification (germline): Pathogenic. Review status: criteria provided, multiple submitters, no conflicts (2 of 4 stars). 2 submissions from 2 submitters: Pathogenic (2). Last evaluated 2025-07-03.

Conditions:
Arrhythmogenic cardiomyopathy with wooly hair and keratoderma. Also called: Carvajal syndrome; Dilated cardiomyopathy with woolly hair and keratoderma; Arrhythmogenic cardiomyopathy with woolly hair and keratoderma; PALMOPLANTAR KERATODERMA WITH LEFT VENTRICULAR CARDIOMYOPATHY AND WOOLLY HAIR. Identifiers: Orphanet 65282, MedGen C1854063, MONDO:0011581, OMIM 605676.
Arrhythmogenic right ventricular dysplasia 8 (ARVD8). Also called: Arrhythmogenic Right Ventricular Dysplasia/Cardiomyopathy 8; ARRHYTHMOGENIC RIGHT VENTRICULAR CARDIOMYOPATHY 8; ARRHYTHMOGENIC RIGHT VENTRICULAR DYSPLASIA, FAMILIAL, 8. Identifiers: MedGen C1843896, MONDO:0011831, OMIM 607450.

Submissions (2):

Labcorp Genetics (formerly Invitae), Labcorp
Classification: Pathogenic for Arrhythmogenic cardiomyopathy with wooly hair and keratoderma; Arrhythmogenic right ventricular dysplasia 8. Last evaluated: 2025-07-03. Review status: criteria provided, single submitter. Criteria: Invitae Variant Classification Sherloc (09022015). Collection method: clinical testing. Allele origin: germline.
Comment: This sequence change creates a premature translational stop signal (p.Cys81*) in the DSP gene. It is expected to result in an absent or disrupted protein product. Loss-of-function variants in DSP are known to be pathogenic (PMID: 20716751, 24503780, 25227139). This variant is not present in population databases (gnomAD no frequency). This premature translational stop signal has been observed in individual(s) with clinical features of arrhythmogenic cardiomyopathy (PMID: 30160835). ClinVar contains an entry for this variant (Variation ID: 199914). For these reasons, this variant has been classified as Pathogenic.

GeneDx
Classification: Pathogenic. Last evaluated: 2024-02-28. Review status: criteria provided, single submitter. Criteria: GeneDx Variant Classification Process June 2021. Collection method: clinical testing. Allele origin: germline. Affected: yes.
Comment: Not observed at significant frequency in large population cohorts (gnomAD); Nonsense variant predicted to result in protein truncation or nonsense mediated decay in a gene for which loss-of-function is a known mechanism of disease; This variant is associated with the following publications: (PMID: 30160835)

Literature cited by the submitters: PubMed 20716751 (cited by Labcorp Genetics (formerly Invitae), Labcorp); PubMed 24503780 (cited by Labcorp Genetics (formerly Invitae), Labcorp); PubMed 25227139 (cited by Labcorp Genetics (formerly Invitae), Labcorp); PubMed 30160835 (cited by Labcorp Genetics (formerly Invitae), Labcorp).